The following is an entry in ClinVar:

NM_001130144.3(LTBP3):c.1403A>G (p.Gln468Arg)

Gene: LTBP3 (latent transforming growth factor beta binding protein 3; minus strand). Cytogenetic location: 11q13.1.
Variant type: single nucleotide variant.
Coding change: c.1403A>G on transcript NM_001130144.3 (MANE Select); coding-DNA position 1403, A replaced by G.
Protein change: p.Gln468Arg; replaces glutamine 468 with arginine.
Molecular consequence: missense variant.
Genome position (GRCh38, 1-based): chr11:65,552,100, T>C on the plus strand (A>G on the coding strand, the complement: LTBP3 is on the minus strand). VCF-style: chr11-65552100-T-C. GRCh37 (hg19) VCF-style: chr11-65319571-T-C.
Other names: c.1052A>G, p.Gln351Arg (NM_001164266.1); c.1403A>G, p.Gln468Arg (NM_021070.4); short protein forms Q351R, Q468R.
Identifiers: ClinVar variation 2446499 (VCV002446499.2), dbSNP rs1856633169, ClinGen allele CA381273455.

ClinVar aggregate classification (germline): Uncertain significance. Review status: criteria provided, multiple submitters, no conflicts (2 of 4 stars). 2 submissions from 2 submitters: Uncertain significance (2). Last evaluated 2025-05-18.

Conditions:
Inborn genetic diseases. Identifiers: MedGen C0950123, MeSH D030342.

Allele frequency attached by ClinVar (database versions not stated): gnomAD exomes below 0.00001; TOPMed below 0.00001.
gnomAD v4.1: 5 of 1,614,098 alleles (0.00031%); highest among the groups gnomAD compares: Admixed American, 0.0017%; no homozygotes.

Submissions (2):

Ambry Genetics
Classification: Uncertain significance for Inborn genetic diseases. Last evaluated: 2025-05-18. Review status: criteria provided, single submitter. Criteria: Ambry Variant Classification Scheme 2023. Collection method: clinical testing. Allele origin: germline.
Comment: The p.Q468R variant (also known as c.1403A>G), located in coding exon 8 of the LTBP3 gene, results from an A to G substitution at nucleotide position 1403. The glutamine at codon 468 is replaced by arginine, an amino acid with highly similar properties. This amino acid position is conserved. In addition, this alteration is predicted to be tolerated by in silico analysis. Based on the available evidence, the clinical significance of this variant remains unclear.

GeneDx
Classification: Uncertain significance. Last evaluated: 2022-10-03. Review status: criteria provided, single submitter. Criteria: GeneDx Variant Classification Process June 2021. Collection method: clinical testing. Allele origin: germline. Affected: yes.
Comment: Not observed at significant frequency in large population cohorts (gnomAD); In silico analysis supports that this missense variant does not alter protein structure/function; Has not been previously published as pathogenic or benign to our knowledge